The following is an entry in ClinVar:

ClinVar aggregate classification (germline): Uncertain significance (1 of 4 stars; one submission).

Submission:

GeneDx
Classification: Uncertain significance. Last evaluated: 2024-05-16. Review status: criteria provided, single submitter. Criteria: GeneDx Variant Classification Process June 2021. Collection method: clinical testing. Allele origin: germline. Affected: yes.
Comment: Not observed at significant frequency in large population cohorts (gnomAD); In silico analysis supports a deleterious effect on splicing; Has not been previously published as pathogenic or benign to our knowledge

NM_015466.4(PTPN23):c.415-3C>G

Gene: PTPN23 (protein tyrosine phosphatase non-receptor type 23; plus strand). Cytogenetic location: 3p21.31.
Variant type: single nucleotide variant.
Coding change: c.415-3C>G on transcript NM_015466.4 (MANE Select); 3 bases into the intron before coding-DNA position 415, C replaced by G.
Molecular consequence: intron variant.
Genome position (GRCh38, 1-based): chr3:47,405,912, C>G. VCF-style: chr3-47405912-C-G. GRCh37 (hg19) VCF-style: chr3-47447402-C-G.
Other names: c.37-3C>G (NM_001304482.2).
Identifiers: ClinVar variation 3378393 (VCV003378393.1).